The following is an entry in ClinVar:

ClinVar aggregate classification (germline): Uncertain significance (1 of 4 stars; one submission).

Conditions:
Weaver syndrome (WVS). Also called: Weaver Smith syndrome; Overgrowth syndrome with accelerated skeletal maturation, unusual facies, and camptodactyly. Identifiers: Orphanet 3447, MedGen C0265210, MONDO:0010193, OMIM 277590.

Submission:

Neuberg Centre For Genomic Medicine, NCGM
Classification: Uncertain significance for Weaver syndrome. Review status: criteria provided, single submitter. Criteria: ACMG Guidelines, 2015. Collection method: clinical testing. Allele origin: germline. Inheritance: Autosomal dominant inheritance. Affected: yes.
Comment: The frameshift variant c.2227_2228insC p.Gly743AlafsTer20 in the EZH2 gene has not been reported previously as a pathogenic variant nor as a benign variant, to our knowledge. The variant is absent in the gnomAD Exomes. This variant causes a frameshift starting with codon Glycine 743, changes this amino acid to Alanine residue, and creates a premature Stop codon at position 20 of the new reading frame. This variant is predicted to cause loss of normal protein function through protein truncation. Loss of function variants have been previously reported to be disease causing Tatton-Brown et al., 2011. However, since this variant is present in the last exon and there are no other downstream variants reported functional studies will be required to prove protein truncation. For these reasons, this variant has been classified as Uncertain Significance.

NM_004456.5(EZH2):c.2227_2228insC (p.Gly743fs)

Gene: EZH2 (enhancer of zeste 2 polycomb repressive complex 2 subunit; minus strand). Cytogenetic location: 7q36.1.
Variant type: Insertion.
Coding change: c.2227_2228insC on transcript NM_004456.5 (MANE Select); coding-DNA positions 2227 to 2228, C inserted.
Protein change: p.Gly743fs; shifts the reading frame from glycine 743.
Molecular consequence: frameshift variant.
Genome position: GRCh38 VCF-style: chr7-148807674-C-CG. GRCh37 (hg19) VCF-style: chr7-148504766-C-CG.
Other names: c.2212_2213insC, p.Gly738fs (NM_001203247.2); c.2185_2186insC, p.Gly729fs (NM_001203248.2); c.2059_2060insC, p.Gly687fs (NM_001203249.2); c.2095_2096insC, p.Gly699fs (NM_152998.3); short protein forms G687fs, G699fs, G729fs, G738fs, G743fs.
Identifiers: ClinVar variation 3391219 (VCV003391219.1).